The following is an entry in ClinVar:

NM_000230.3(LEP):c.-7A>G

Gene: LEP (leptin; plus strand). Cytogenetic location: 7q32.1.
Variant type: single nucleotide variant.
Coding change: c.-7A>G on transcript NM_000230.3 (MANE Select); 7 bases upstream of the start codon, A replaced by G.
Molecular consequence: 5 prime UTR variant.
Genome position (GRCh38, 1-based): chr7:128,252,012, A>G. VCF-style: chr7-128252012-A-G. GRCh37 (hg19) VCF-style: chr7-127892065-A-G.
Identifiers: ClinVar variation 4994051 (VCV004994051.1).

ClinVar aggregate classification (germline): Likely benign (1 of 4 stars; one submission).

Conditions:
LEP-related disorder. Also called: LEP-related condition.

gnomAD v4.1: 4 of 1,614,216 alleles (0.00025%); highest among the groups gnomAD compares: Non-Finnish European, 0.00034%; no homozygotes.

Submission:

PreventionGenetics, part of Exact Sciences
Classification: Likely benign for LEP-related condition. Last evaluated: 2026-03-20. Review status: criteria provided, single submitter. Criteria: ACMG Guidelines, 2015. Collection method: clinical testing. Allele origin: germline.
Comment: This variant is classified as likely benign based on ACMG/AMP sequence variant interpretation guidelines (Richards et al. 2015 PMID: 25741868, with internal and published modifications).